The following is an entry in ClinVar:

ClinVar aggregate classification (germline): Uncertain significance (1 of 4 stars; one submission).

Conditions:
Microcephaly-intellectual disability-sensorineural hearing loss-epilepsy-abnormal muscle tone syndrome (NEDHSB). Also called: NEURODEVELOPMENTAL DISORDER WITH HEARING LOSS, SEIZURES, AND BRAIN ABNORMALITIES. Identifiers: Orphanet 457351, MedGen C4225276, MONDO:0014698, OMIM 616577.

Submission:

Labcorp Genetics (formerly Invitae), Labcorp
Classification: Uncertain significance for Microcephaly-intellectual disability-sensorineural hearing loss-epilepsy-abnormal muscle tone syndrome. Last evaluated: 2021-09-15. Review status: criteria provided, single submitter. Criteria: Invitae Variant Classification Sherloc (09022015). Collection method: clinical testing. Allele origin: germline.
Comment: This variant has not been reported in the literature in individuals affected with SPATA5-related conditions. In summary, the available evidence is currently insufficient to determine the role of this variant in disease. Therefore, it has been classified as a Variant of Uncertain Significance. Variants that disrupt the consensus splice site are a relatively common cause of aberrant splicing (PMID: 17576681, 9536098). Algorithms developed to predict the effect of sequence changes on RNA splicing suggest that this variant may disrupt the consensus splice site. This variant is not present in population databases (ExAC no frequency). This sequence change falls in intron 2 of the SPATA5 gene. It does not directly change the encoded amino acid sequence of the SPATA5 protein. It affects a nucleotide within the consensus splice site of the intron.

Literature cited by the submitters: PubMed 17576681; PubMed 9536098.

NM_145207.3(AFG2A):c.288+5G>C

Gene: AFG2A (AAA ATPase AFG2A; plus strand). Cytogenetic location: 4q28.1.
Variant type: single nucleotide variant.
Coding change: c.288+5G>C on transcript NM_145207.3 (MANE Select); 5 bases into the intron after coding-DNA position 288, G replaced by C.
Molecular consequence: intron variant.
Genome position (GRCh38, 1-based): chr4:122,927,763, G>C. VCF-style: chr4-122927763-G-C. GRCh37 (hg19) VCF-style: chr4-123848918-G-C.
Other names: c.285+5G>C (NM_001345856.2, NM_001317799.2).
Identifiers: ClinVar variation 1381294 (VCV001381294.5), dbSNP rs1162225635, ClinGen allele CA2573138064.
Genomic context (GRCh38, chr4:122,927,763, plus strand): 5'-CAAATATATGTATAGGTCGACCAGTGTTGCTTACTAGTTTGAACGGAAAGCAAGAGGTAA[G>C]AGTCTTTTTCATTTCCTTAGTTTAGAAATACAAACTGAACATTGCAAATCCAAGAATCTA-3'